The following is an entry in ClinVar:

NM_014974.3(DIP2C):c.3584+9C>T

Gene: DIP2C (DIP2 acetate--CoA ligase C (putative); minus strand). Cytogenetic location: 10p15.3.
Variant type: single nucleotide variant.
Coding change: c.3584+9C>T on transcript NM_014974.3 (MANE Select); 9 bases into the intron after coding-DNA position 3584, C replaced by T.
Molecular consequence: intron variant.
Genome position (GRCh38, 1-based): chr10:341,190, G>A on the plus strand (C>T on the coding strand, the complement: DIP2C is on the minus strand). VCF-style: chr10-341190-G-A. GRCh37 (hg19) VCF-style: chr10-387130-G-A.
Other names: c.3584+9C>T (NM_014974.2).
Identifiers: ClinVar variation 1555833 (VCV001555833.10), dbSNP rs559996108, ClinGen allele CA5379927.

ClinVar aggregate classification (germline): Benign. Review status: criteria provided, single submitter (1 of 4 stars). 2 submissions from 2 submitters: Benign (1). 1 of the submissions does not count toward it. Last evaluated 2025-11-19.

Conditions:
DIP2C-related disorder. Also called: DIP2C-related condition.

Allele frequency attached by ClinVar (database versions not stated): gnomAD 0.00012 and 0.00014; ExAC 0.00026; gnomAD exomes 0.00028; 1000 Genomes Project 30x 0.00031; 1000 Genomes Project 0.00040.
gnomAD v4.1: 215 of 1,614,018 alleles (0.013%); highest among the groups gnomAD compares: Middle Eastern, 0.099%; 2 homozygotes.

Submissions (2):

Labcorp Genetics (formerly Invitae), Labcorp
Classification: Benign. Last evaluated: 2025-11-19. Review status: criteria provided, single submitter. Criteria: Invitae Variant Classification Sherloc (09022015). Collection method: clinical testing. Allele origin: germline.

PreventionGenetics, part of Exact Sciences
Classification: Likely benign for DIP2C-related condition. Last evaluated: 2019-03-28. Review status: no assertion criteria provided. Collection method: clinical testing. Allele origin: germline. Not counted in ClinVar's aggregate classification.
Comment: This variant is classified as likely benign based on ACMG/AMP sequence variant interpretation guidelines (Richards et al. 2015 PMID: 25741868, with internal and published modifications).